The following is an entry in ClinVar:

NM_001148.6(ANK2):c.-39G>T

Gene: ANK2 (ankyrin 2; plus strand). Cytogenetic location: 4q25.
Variant type: single nucleotide variant.
Coding change: c.-39G>T on transcript NM_001148.6 (MANE Select); 39 bases upstream of the start codon, G replaced by T.
Molecular consequence: 5 prime UTR variant. On other transcripts: intron variant (43).
Genome position (GRCh38, 1-based): chr4:113,049,690, G>T. VCF-style: chr4-113049690-G-T. GRCh37 (hg19) VCF-style: chr4-113970846-G-T.
Other names: c.-39G>T (NM_001354225.2, NM_001354228.2, NM_001354232.2 and 10 more transcripts); c.73-124726G>T (NM_001386186.2, NM_001386148.2, NM_001354269.3 and 1 more transcripts); c.22-101390G>T (NM_001386147.1, NM_001386160.1, NM_001354261.2); c.22-124726G>T (NM_001354254.2, NM_001354239.2, NM_001354252.2 and 33 more transcripts).
Identifiers: ClinVar variation 136380 (VCV000136380.5), dbSNP rs372870729, ClinGen allele CA289420.

ClinVar aggregate classification (germline): Conflicting classifications of pathogenicity. Review status: criteria provided, conflicting classifications (1 of 4 stars). 2 submissions from 2 submitters: Uncertain significance (1); Benign (1). Last evaluated 2018-01-13.

Conditions:
Cardiac arrhythmia, ankyrin-B-related. Also called: ANKYRIN-B SYNDROME. Identifiers: Orphanet 101016, Orphanet 768, MedGen C1970119, MONDO:0010958, OMIM 600919.

Allele frequency attached by ClinVar (database versions not stated): ExAC 0.00001; gnomAD exomes 0.00002 and 0.00003; gnomAD 0.00006; TOPMed 0.00007; ESP Exome Variant Server 0.00023.
gnomAD v4.1: 50 of 1,511,094 alleles (0.0033%); highest among the groups gnomAD compares: Non-Finnish European, 0.004%; no homozygotes.

Submissions (2):

Illumina Laboratory Services, Illumina
Classification: Uncertain significance for Cardiac arrhythmia, ankyrin-B-related. Last evaluated: 2018-01-13. Review status: criteria provided, single submitter. Criteria: ICSL Variant Classification Criteria 13 December 2019. Collection method: clinical testing. Allele origin: germline.

GeneDx
Classification: Benign. Last evaluated: 2014-01-14. Review status: criteria provided, single submitter. Criteria: GeneDx Variant Classification (06012015). Collection method: clinical testing. Allele origin: germline. Affected: yes.
Comment: This variant is considered likely benign or benign based on one or more of the following criteria: it is a conservative change, it occurs at a poorly conserved position in the protein, it is predicted to be benign by multiple in silico algorithms, and/or has population frequency not consistent with disease.